The following is an entry in ClinVar:

NM_152393.4(KLHL40):c.1097G>A (p.Gly366Asp)

Gene: KLHL40 (kelch like family member 40; plus strand). Cytogenetic location: 3p22.1.
Variant type: single nucleotide variant.
Coding change: c.1097G>A on transcript NM_152393.4 (MANE Select); coding-DNA position 1097, G replaced by A.
Protein change: p.Gly366Asp; replaces glycine 366 with aspartic acid.
Molecular consequence: missense variant.
Genome position (GRCh38, 1-based): chr3:42,686,715, G>A. VCF-style: chr3-42686715-G-A. GRCh37 (hg19) VCF-style: chr3-42728207-G-A.
Other names: short protein forms G366D.
Identifiers: ClinVar variation 653866 (VCV000653866.5), dbSNP rs952832025, ClinGen allele CA74192131.

ClinVar aggregate classification (germline): Uncertain significance (1 of 4 stars; one submission).

Conditions:
Nemaline myopathy 8 (NEM8). Also called: Nemaline myopathy 8, autosomal recessive. Identifiers: Orphanet 171430, MedGen C3809209, MONDO:0014138, OMIM 615348.

Allele frequency attached by ClinVar (database versions not stated): gnomAD exomes 0.00001.

Submission:

Labcorp Genetics (formerly Invitae), Labcorp
Classification: Uncertain significance for Nemaline myopathy 8. Last evaluated: 2021-05-11. Review status: criteria provided, single submitter. Criteria: Invitae Variant Classification Sherloc (09022015). Collection method: clinical testing. Allele origin: germline.
Comment: In summary, the available evidence is currently insufficient to determine the role of this variant in disease. Therefore, it has been classified as a Variant of Uncertain Significance. This sequence change replaces glycine with aspartic acid at codon 366 of the KLHL40 protein (p.Gly366Asp). The glycine residue is highly conserved and there is a moderate physicochemical difference between glycine and aspartic acid. This variant is not present in population databases (ExAC no frequency). This variant has not been reported in the literature in individuals with KLHL40-related disease. Algorithms developed to predict the effect of missense changes on protein structure and function (SIFT, PolyPhen-2, Align-GVGD) all suggest that this variant is likely to be disruptive, but these predictions have not been confirmed by published functional studies and their clinical significance is uncertain.